The following is an entry in ClinVar:

ClinVar aggregate classification (germline): Uncertain significance (1 of 4 stars; one submission).

Submission:

Genetic Services Laboratory, University of Chicago
Classification: Uncertain significance. Last evaluated: 2021-03-15. Review status: criteria provided, single submitter. Criteria: ACMG Guidelines, 2015. Collection method: clinical testing. Allele origin: germline. Affected: no.
Comment: DNA sequence analysis of the AFF4 gene demonstrated a sequence change, c.1749G>T, in exon 11 that results in an amino acid change, p.Lys583Asn. This sequence change is absent from known population databases (gnomAD). The p.Lys583Asn change affects a moderately conserved amino acid residue located in a domain of the AFF4 protein that is known to be functional. In-silico pathogenicity prediction tools (SIFT, PolyPhen2, Align GVGD, REVEL) provide contradictory results for the p.Lys583Asn substitution. This sequence change does not appear to have been previously described in patients with AFF4-related disorders. Due to the lack of sufficient evidences, the clinical significance of the p.Lys583Asn change remains unknown at this time.

NM_014423.4(AFF4):c.1749G>T (p.Lys583Asn)

Gene: AFF4 (ALF transcription elongation factor 4; minus strand). Cytogenetic location: 5q31.1.
Variant type: single nucleotide variant.
Coding change: c.1749G>T on transcript NM_014423.4 (MANE Select); coding-DNA position 1749, G replaced by T.
Protein change: p.Lys583Asn; replaces lysine 583 with asparagine.
Molecular consequence: missense variant.
Genome position (GRCh38, 1-based): chr5:132,896,881, C>A on the plus strand (G>T on the coding strand, the complement: AFF4 is on the minus strand). VCF-style: chr5-132896881-C-A. GRCh37 (hg19) VCF-style: chr5-132232573-C-A.
Other names: short protein forms K583N.
Identifiers: ClinVar variation 1337871 (VCV001337871.4), dbSNP rs2150072957, ClinGen allele CA360937874.
Genomic context (GRCh38, chr5:132,896,881, plus strand): 5'-TGCTTTGTGTCTGCTGGAGGGCATGCTGCTAGCCAAGTCTACAGGGGTTTCACTTTCTAT[C>A]TTCAGGCCTCCACGAGGCTCTTCAGCAGCTGCCTTCTCAGCCTTTTTGGGTTGTTTTTTG-3'
Protein context (NP_055238.1, residues 573-593): AAAEEPRGGL[Lys583Asn]IESETPVDLA